The following is an entry in ClinVar:

ClinVar aggregate classification (germline): Uncertain significance (1 of 4 stars; one submission).

Conditions:
Combined oxidative phosphorylation defect type 17. Also called: Combined oxidative phosphorylation deficiency 17. Identifiers: Orphanet 369913, MedGen C3809526, MONDO:0014190, OMIM 615440.

Allele frequency attached by ClinVar (database versions not stated): gnomAD exomes below 0.00001 and 0.00001; TOPMed below 0.00001; gnomAD 0.00001.
gnomAD v4.1: 10 of 1,605,218 alleles (0.00062%); highest among the groups gnomAD compares: Non-Finnish European, 0.00085%; no homozygotes.

Submission:

Labcorp Genetics (formerly Invitae), Labcorp
Classification: Uncertain significance for Combined oxidative phosphorylation defect type 17. Last evaluated: 2021-09-01. Review status: criteria provided, single submitter. Criteria: Invitae Variant Classification Sherloc (09022015). Collection method: clinical testing. Allele origin: germline.
Comment: This sequence change replaces proline with leucine at codon 808 of the ELAC2 protein (p.Pro808Leu). The proline residue is moderately conserved and there is a moderate physicochemical difference between proline and leucine. This variant is not present in population databases (ExAC no frequency). This variant has not been reported in the literature in individuals affected with ELAC2-related conditions. Algorithms developed to predict the effect of missense changes on protein structure and function are either unavailable or do not agree on the potential impact of this missense change (SIFT: "Deleterious"; PolyPhen-2: "Benign"; Align-GVGD: "Class C0"). In summary, the available evidence is currently insufficient to determine the role of this variant in disease. Therefore, it has been classified as a Variant of Uncertain Significance.

NM_018127.7(ELAC2):c.2423C>T (p.Pro808Leu)

Gene: ELAC2 (elaC ribonuclease Z 2; minus strand). Cytogenetic location: 17p12.
Variant type: single nucleotide variant.
Coding change: c.2423C>T on transcript NM_018127.7 (MANE Select); coding-DNA position 2423, C replaced by T.
Protein change: p.Pro808Leu; replaces proline 808 with leucine.
Molecular consequence: missense variant.
Genome position (GRCh38, 1-based): chr17:12,992,876, G>A on the plus strand (C>T on the coding strand, the complement: ELAC2 is on the minus strand). VCF-style: chr17-12992876-G-A. GRCh37 (hg19) VCF-style: chr17-12896193-G-A.
Other names: c.2303C>T, p.Pro768Leu (NM_001165962.2); c.2420C>T, p.Pro807Leu (NM_173717.2); short protein forms P807L, P808L, P768L.
Identifiers: ClinVar variation 1423983 (VCV001423983.5), dbSNP rs1187954440, ClinGen allele CA398222114.